The following is an entry in ClinVar:

ClinVar aggregate classification (germline): Likely benign (1 of 4 stars; one submission).

gnomAD v4.1: 71 of 1,583,180 alleles (0.0045%); highest among the groups gnomAD compares: African/African-American, 0.016%; no homozygotes.

Submission:

CeGaT Center for Human Genetics Tuebingen
Classification: Likely benign. Last evaluated: 2026-04-01. Review status: criteria provided, single submitter. Criteria: CeGaT Center For Human Genetics Tuebingen Variant Classification Criteria Version 2. Collection method: clinical testing. Allele origin: germline. Affected: yes. Observed: 1 variant allele.
Comment: RAB3GAP1: BP4, BP7

NM_012233.3(RAB3GAP1):c.1269A>G (p.Pro423=)

Gene: RAB3GAP1 (RAB3 GTPase activating protein catalytic subunit 1; plus strand). Cytogenetic location: 2q21.3.
Variant type: single nucleotide variant.
Coding change: c.1269A>G on transcript NM_012233.3 (MANE Select); coding-DNA position 1269, A replaced by G.
Protein change: p.Pro423=; no amino-acid change (proline 423 retained).
Molecular consequence: synonymous variant.
Genome position (GRCh38, 1-based): chr2:135,132,927, A>G. VCF-style: chr2-135132927-A-G. GRCh37 (hg19) VCF-style: chr2-135890497-A-G.
Other names: c.1269A>G, p.Pro423= (NM_001172435.2).
Identifiers: ClinVar variation 4874236 (VCV004874236.2).